The following is an entry in ClinVar:

ClinVar aggregate classification (germline): Uncertain significance (1 of 4 stars; one submission).

Conditions:
TNF receptor-associated periodic fever syndrome (TRAPS) (FPF). Also called: TNF RECEPTOR-ASSOCIATED PERIODIC SYNDROME; TUMOR NECROSIS FACTOR RECEPTOR-ASSOCIATED PERIODIC SYNDROME; Autosomal Dominant Familial Periodic Fever; TNF Receptor-Associated Periodic Fever Syndrome; TNF receptor 1-associated periodic fever syndrome; FAMILIAL HIBERNIAN FEVER. Identifiers: Orphanet 32960, MedGen C1275126, MONDO:0007727, OMIM 142680.

Allele frequency attached by ClinVar (database versions not stated): gnomAD exomes below 0.00001.
gnomAD v4.1: 1 of 1,592,648 alleles (0.000063%); highest among the groups gnomAD compares: Non-Finnish European, 0.000085%; no homozygotes.

Submission:

Labcorp Genetics (formerly Invitae), Labcorp
Classification: Uncertain significance for TNF receptor-associated periodic fever syndrome (TRAPS). Last evaluated: 2021-08-31. Review status: criteria provided, single submitter. Criteria: Invitae Variant Classification Sherloc (09022015). Collection method: clinical testing. Allele origin: germline.
Comment: This sequence change replaces glutamic acid with glycine at codon 364 of the TNFRSF1A protein (p.Glu364Gly). The glutamic acid residue is weakly conserved and there is a moderate physicochemical difference between glutamic acid and glycine. This variant is not present in population databases (ExAC no frequency). This variant has not been reported in the literature in individuals affected with TNFRSF1A-related conditions. Advanced modeling of protein sequence and biophysical properties (such as structural, functional, and spatial information, amino acid conservation, physicochemical variation, residue mobility, and thermodynamic stability) performed at Invitae indicates that this missense variant is not expected to disrupt TNFRSF1A protein function. In summary, the available evidence is currently insufficient to determine the role of this variant in disease. Therefore, it has been classified as a Variant of Uncertain Significance.

NM_001065.4(TNFRSF1A):c.1091A>G (p.Glu364Gly)

Gene: TNFRSF1A (TNF receptor superfamily member 1A; minus strand). Cytogenetic location: 12p13.31.
Variant type: single nucleotide variant.
Coding change: c.1091A>G on transcript NM_001065.4 (MANE Select); coding-DNA position 1091, A replaced by G.
Protein change: p.Glu364Gly; replaces glutamic acid 364 with glycine.
Molecular consequence: missense variant. On other transcripts: non-coding transcript variant (1).
Genome position (GRCh38, 1-based): chr12:6,329,589, T>C on the plus strand (A>G on the coding strand, the complement: TNFRSF1A is on the minus strand). VCF-style: chr12-6329589-T-C. GRCh37 (hg19) VCF-style: chr12-6438755-T-C.
Other names: c.767A>G, p.Glu256Gly (NM_001346091.2); c.632A>G, p.Glu211Gly (NM_001346092.2); short protein forms E211G, E364G, E256G.
Identifiers: ClinVar variation 1348637 (VCV001348637.5), dbSNP rs1191537375, ClinGen allele CA383545482.